The following is an entry in ClinVar:

ClinVar aggregate classification (germline): Uncertain significance (1 of 4 stars; one submission).

Conditions:
SEMA3B-related disorder. Also called: SEMA3B-related condition.

gnomAD v4.1: 1 of 1,578,912 alleles (0.000063%); highest among the groups gnomAD compares: Non-Finnish European, 0.000086%; no homozygotes.

Submission:

PreventionGenetics, part of Exact Sciences
Classification: Uncertain significance for SEMA3B-related condition. Last evaluated: 2026-09-15. Review status: criteria provided, single submitter. Criteria: ACMG Guidelines, 2015. Collection method: clinical testing. Allele origin: germline.
Comment: The SEMA3B c.2159C>A variant is predicted to result in the amino acid substitution p.Ala720Glu. To our knowledge, this variant has not been reported in the literature or in a large population database (gnomAD), indicating this variant is rare. At this time, the clinical significance of this variant is uncertain due to the absence of conclusive functional and genetic evidence.

NM_001290060.2(SEMA3B):c.2144C>A (p.Ala715Glu)

Gene: SEMA3B (semaphorin 3B; plus strand). Cytogenetic location: 3p21.31.
Variant type: single nucleotide variant.
Coding change: c.2144C>A on transcript NM_001290060.2 (MANE Select); coding-DNA position 2144, C replaced by A.
Protein change: p.Ala715Glu; replaces alanine 715 with glutamic acid.
Molecular consequence: missense variant. On other transcripts: non-coding transcript variant (1).
Genome position (GRCh38, 1-based): chr3:50,276,600, C>A. VCF-style: chr3-50276600-C-A. GRCh37 (hg19) VCF-style: chr3-50314031-C-A.
Other names: c.2141C>A, p.Ala714Glu (NM_001005914.3, NM_001435957.1, NM_001435958.1); c.2159C>A, p.Ala720Glu (NM_001290061.1); c.1115C>A, p.Ala372Glu (NM_001290062.2, NM_001290063.2); c.2144C>A, p.Ala715Glu (NM_001435956.1, NM_004636.4); short protein forms A372E, A714E, A720E, A715E.
Identifiers: ClinVar variation 4997637 (VCV004997637.1).
Genomic context (GRCh38, chr3:50,276,600, plus strand): 5'-TGGTGGAGCCGGGCGGAGGTGGCAGCGCGAACTCCCTGCGCATGTGCCGCCCGCAGCCTG[C>A]GCTGCAGTCACTGCCCCTGGAGTCGCGGAGAAAGGGCCGTAACCGGAGGACCCACGCCCC-3'
Protein context (NP_001276989.1, residues 705-725): NSLRMCRPQP[Ala715Glu]LQSLPLESRR